The following is an entry in ClinVar:

NM_000051.4(ATM):c.885del (p.Thr297fs)

Gene: ATM (ATM serine/threonine kinase; plus strand). Cytogenetic location: 11q22.3.
Variant type: Deletion.
Coding change: c.885del on transcript NM_000051.4 (MANE Select); coding-DNA position 885, one base deleted (C; older notation c.885delC).
Protein change: p.Thr297fs; shifts the reading frame from threonine 297.
Molecular consequence: frameshift variant.
Genome position (GRCh38, 1-based): chr11:108,245,010, C deleted; the last of 2 consecutive C bases (chr11:108,245,009-108,245,010); deleting either gives the same sequence. VCF-style (leftmost placement, unchanged base first): chr11-108245008-GC-G. GRCh37 (hg19) VCF-style: chr11-108115735-GC-G.
Other names: c.885del, p.Thr297fs (NM_001351834.2); short protein forms T297fs.
Identifiers: ClinVar variation 2017520 (VCV002017520.4), dbSNP rs2497155366, ClinGen allele CA2580082976.

ClinVar aggregate classification (germline): Pathogenic (1 of 4 stars; one submission).

Conditions:
Ataxia-telangiectasia syndrome (AT). Also called: Cerebello-oculocutaneous telangiectasia; Immunodeficiency with ataxia telangiectasia; Ataxia telangiectasia (A-T); LOUIS-BAR SYNDROME; Ataxia-telangiectasia, complementation group D; AT, COMPLEMENTATION GROUP C. Identifiers: Orphanet 100, MedGen C0004135, MONDO:0008840, OMIM 208900.

Submission:

Labcorp Genetics (formerly Invitae), Labcorp
Classification: Pathogenic for Ataxia-telangiectasia syndrome. Last evaluated: 2024-03-06. Review status: criteria provided, single submitter. Criteria: Invitae Variant Classification Sherloc (09022015). Collection method: clinical testing. Allele origin: germline.
Comment: This sequence change creates a premature translational stop signal (p.Thr297Profs*23) in the ATM gene. It is expected to result in an absent or disrupted protein product. Loss-of-function variants in ATM are known to be pathogenic (PMID: 23807571, 25614872). This variant is not present in population databases (gnomAD no frequency). This variant has not been reported in the literature in individuals affected with ATM-related conditions. ClinVar contains an entry for this variant (Variation ID: 2017520). For these reasons, this variant has been classified as Pathogenic.

Literature cited by the submitters: PubMed 23807571; PubMed 25614872.